The following is an entry in ClinVar:

ClinVar aggregate classification (germline): Uncertain significance (1 of 4 stars; one submission).

Conditions:
Inborn genetic diseases. Identifiers: MedGen C0950123, MeSH D030342.

Submission:

Ambry Genetics
Classification: Uncertain significance for Inborn genetic diseases. Last evaluated: 2025-03-29. Review status: criteria provided, single submitter. Criteria: Ambry Variant Classification Scheme 2023. Collection method: clinical testing. Allele origin: germline.
Comment: The p.F371Y variant (also known as c.1112T>A), located in coding exon 9 of the CEP57 gene, results from a T to A substitution at nucleotide position 1112. The phenylalanine at codon 371 is replaced by tyrosine, an amino acid with highly similar properties. This amino acid position is conserved. In addition, the in silico prediction for this alteration is inconclusive. Based on the available evidence, the clinical significance of this variant remains unclear.

NM_014679.5(CEP57):c.1112T>A (p.Phe371Tyr)

Gene: CEP57 (centrosomal protein 57; plus strand). Cytogenetic location: 11q21.
Variant type: single nucleotide variant.
Coding change: c.1112T>A on transcript NM_014679.5 (MANE Select); coding-DNA position 1112, T replaced by A.
Protein change: p.Phe371Tyr; replaces phenylalanine 371 with tyrosine.
Molecular consequence: missense variant.
Genome position (GRCh38, 1-based): chr11:95,828,012, T>A. VCF-style: chr11-95828012-T-A. GRCh37 (hg19) VCF-style: chr11-95561176-T-A.
Other names: c.1085T>A, p.Phe362Tyr (NM_001243776.2); c.1034T>A, p.Phe345Tyr (NM_001243777.2); c.1031T>A, p.Phe344Tyr (NM_001363604.2); short protein forms F345Y, F371Y, F344Y, F362Y.
Identifiers: ClinVar variation 4000992 (VCV004000992.1).